The following is an entry in ClinVar:

NM_000843.4(GRM6):c.1500+1G>A

Genes: GRM6 (glutamate metabotropic receptor 6; minus strand), ZNF454 (zinc finger protein 454; plus strand). Cytogenetic location: 5q35.3.
Variant type: single nucleotide variant.
Coding change: c.1500+1G>A on transcript NM_000843.4 (MANE Select); the canonical splice donor site of the intron after coding-DNA position 1500, G replaced by A.
Molecular consequence: splice donor variant.
Genome position (GRCh38, 1-based): chr5:178,986,837, C>T on the plus strand (G>A on the coding strand, the complement: GRM6 is on the minus strand). VCF-style: chr5-178986837-C-T. GRCh37 (hg19) VCF-style: chr5-178413838-C-T.
Identifiers: ClinVar variation 2873006 (VCV002873006.3), dbSNP rs138021998, ClinGen allele CA3594037.

ClinVar aggregate classification (germline): Likely pathogenic (1 of 4 stars; one submission).

Allele frequency attached by ClinVar (database versions not stated): ExAC 0.00001; gnomAD 0.00001; gnomAD exomes 0.00001; TOPMed 0.00001; ESP Exome Variant Server 0.00008.
gnomAD v4.1: 8 of 1,613,710 alleles (0.0005%); highest among the groups gnomAD compares: South Asian, 0.0044%; no homozygotes.

Submission:

Labcorp Genetics (formerly Invitae), Labcorp
Classification: Likely pathogenic. Last evaluated: 2023-12-09. Review status: criteria provided, single submitter. Criteria: Invitae Variant Classification Sherloc (09022015). Collection method: clinical testing. Allele origin: germline.
Comment: This sequence change affects a donor splice site in intron 7 of the GRM6 gene. It is expected to disrupt RNA splicing. Variants that disrupt the donor or acceptor splice site typically lead to a loss of protein function (PMID: 16199547), and loss-of-function variants in GRM6 are known to be pathogenic (PMID: 15781871, 16622103, 22008250). This variant is present in population databases (rs138021998, gnomAD 0.007%). This variant has not been reported in the literature in individuals affected with GRM6-related conditions. Algorithms developed to predict the effect of sequence changes on RNA splicing suggest that this variant may disrupt the consensus splice site. In summary, the currently available evidence indicates that the variant is pathogenic, but additional data are needed to prove that conclusively. Therefore, this variant has been classified as Likely Pathogenic.

Literature cited by the submitters: PubMed 16199547; PubMed 15781871; PubMed 16622103; PubMed 22008250.